The following is an entry in ClinVar:

ClinVar aggregate classification (germline): Pathogenic. Review status: criteria provided, multiple submitters, no conflicts (2 of 4 stars). 3 submissions from 3 submitters: Pathogenic (3). Last evaluated 2024-03-25.

Conditions:
Hereditary cancer-predisposing syndrome. Also called: Tumor predisposition; Neoplastic Syndromes, Hereditary; Hereditary Cancer Syndrome; Hereditary neoplastic syndrome. Identifiers: Orphanet 140162, MedGen C0027672, MeSH D009386, MONDO:0015356.
Familial adenomatous polyposis 1 (FAP1). Also called: POLYPOSIS, ADENOMATOUS INTESTINAL; FAMILIAL ADENOMATOUS POLYPOSIS 1, ATTENUATED. Identifiers: MedGen C2713442, MONDO:0021056, OMIM 175100. Disease mechanism: loss of function.

Submissions (3):

Color Diagnostics, LLC DBA Color Health
Classification: Pathogenic for Hereditary cancer-predisposing syndrome. Last evaluated: 2024-03-25. Review status: criteria provided, single submitter. Criteria: ACMG Guidelines, 2015. Collection method: clinical testing. Allele origin: germline.
Comment: This variant changes 1 nucleotide in exon 16 of the APC gene, creating a premature translation stop signal. This variant is predicted to escape nonsense-mediated decay and be expressed as a truncated protein. Although functional studies have not been reported, this variant is expected to disrupt the armadillo region, the beta-catenin binding domain, SAMP-repeats, the basic domain, and the EBL and HDLG binding domains (PMID: 11257105). To our knowledge, this variant has not been reported in individuals affected with APC-related disorders in the literature. This variant has not been identified in the general population by the Genome Aggregation Database (gnomAD). Loss of APC function is a known mechanism of disease. Based on the available evidence, this variant is classified as Pathogenic.

Myriad Genetics, Inc.
Classification: Pathogenic for Familial adenomatous polyposis 1. Last evaluated: 2023-05-04. Review status: criteria provided, single submitter. Criteria: Myriad Autosomal Dominant, Autosomal Recessive and X-Linked Classification Criteria (2023). Collection method: clinical testing. Allele origin: unknown.
Comment: This variant is considered pathogenic. This variant creates a termination codon and is predicted to result in premature protein truncation.

Labcorp Genetics (formerly Invitae), Labcorp
Classification: Pathogenic for Familial adenomatous polyposis 1. Last evaluated: 2022-02-02. Review status: criteria provided, single submitter. Criteria: Invitae Variant Classification Sherloc (09022015). Collection method: clinical testing. Allele origin: germline.
Comment: For these reasons, this variant has been classified as Pathogenic. A different truncation (p.Tyr2645Lysfs*14) that lies downstream of this variant has been determined to be pathogenic (PMID: 9824584, 1316610, 27081525, 8381579, 22135120, Invitae). This suggests that deletion of this region of the APC protein is causative of disease. This variant is expected to disrupt the EB1 and HDLG binding sites, which mediate interactions with the cytoskeleton (PMID: 15311282, 17293347). While functional studies have not been performed to directly test the effect on APC protein function, this suggests that disruption of the C-terminal portion of the protein is functionally important. This variant has not been reported in the literature in individuals affected with APC-related conditions. This variant is not present in population databases (gnomAD no frequency). This sequence change creates a premature translational stop signal (p.Leu726*) in the APC gene. While this is not anticipated to result in nonsense mediated decay, it is expected to disrupt the last 2118 amino acid(s) of the APC protein.

Literature cited by the submitters: PubMed 11257105 (cited by Color Diagnostics, LLC DBA Color Health); PubMed 9824584 (cited by Labcorp Genetics (formerly Invitae), Labcorp); PubMed 1316610 (cited by Labcorp Genetics (formerly Invitae), Labcorp); PubMed 27081525 (cited by Labcorp Genetics (formerly Invitae), Labcorp); PubMed 8381579 (cited by Labcorp Genetics (formerly Invitae), Labcorp); PubMed 22135120 (cited by Labcorp Genetics (formerly Invitae), Labcorp); PubMed 15311282 (cited by Labcorp Genetics (formerly Invitae), Labcorp); PubMed 17293347 (cited by Labcorp Genetics (formerly Invitae), Labcorp).

NM_000038.6(APC):c.2177T>G (p.Leu726Ter)

Gene: APC (APC regulator of Wnt signaling pathway; plus strand). Cytogenetic location: 5q22.2.
Variant type: single nucleotide variant.
Coding change: c.2177T>G on transcript NM_000038.6 (MANE Select); coding-DNA position 2177, T replaced by G.
Protein change: p.Leu726Ter; replaces leucine 726 with a stop codon.
Molecular consequence: nonsense.
Genome position (GRCh38, 1-based): chr5:112,837,771, T>G. VCF-style: chr5-112837771-T-G. GRCh37 (hg19) VCF-style: chr5-112173468-T-G.
Other names: c.2177T>G, p.Leu726Ter (NM_001127510.3, NM_001354895.2); c.2123T>G, p.Leu708Ter (NM_001127511.3); c.2231T>G, p.Leu744Ter (NM_001354896.2); c.2207T>G, p.Leu736Ter (NM_001354897.2); c.2102T>G, p.Leu701Ter (NM_001354898.2); c.2093T>G, p.Leu698Ter (NM_001354899.2); c.2054T>G, p.Leu685Ter (NM_001354900.2); c.2000T>G, p.Leu667Ter (NM_001354901.2); and 5 more; short protein forms L566*, L701*, L685*, L698*, L726*, L443*, L600*, L708*.
Identifiers: ClinVar variation 1454461 (VCV001454461.9), dbSNP rs2149862441, ClinGen allele CA16026099.